The following is an entry in ClinVar:

ClinVar aggregate classification (germline): Uncertain significance (1 of 4 stars; one submission).

Conditions:
Congenital brain dysgenesis due to glutamine synthetase deficiency (GLND). Also called: GLUTAMINE SYNTHASE DEFICIENCY, CONGENITAL SYSTEMIC. Identifiers: Orphanet 71278, MedGen C1864910, MONDO:0012393, OMIM 610015.

Submission:

Labcorp Genetics (formerly Invitae), Labcorp
Classification: Uncertain significance for Congenital brain dysgenesis due to glutamine synthetase deficiency. Last evaluated: 2021-12-02. Review status: criteria provided, single submitter. Criteria: Invitae Variant Classification Sherloc (09022015). Collection method: clinical testing. Allele origin: germline.
Comment: In summary, the available evidence is currently insufficient to determine the role of this variant in disease. Therefore, it has been classified as a Variant of Uncertain Significance. Algorithms developed to predict the effect of missense changes on protein structure and function (SIFT, PolyPhen-2, Align-GVGD) all suggest that this variant is likely to be disruptive. This missense change has been observed in individual(s) with clinical features of glutamine synthetase deficiency (PMID: 27775558). This variant is not present in population databases (gnomAD no frequency). This sequence change replaces arginine, which is basic and polar, with histidine, which is basic and polar, at codon 319 of the GLUL protein (p.Arg319His).

Literature cited by the submitters: PubMed 27775558.

NM_001033044.4(GLUL):c.956G>A (p.Arg319His)

Gene: GLUL (glutamate-ammonia ligase; minus strand). Cytogenetic location: 1q25.3.
Variant type: single nucleotide variant.
Coding change: c.956G>A on transcript NM_001033044.4 (MANE Select); coding-DNA position 956, G replaced by A.
Protein change: p.Arg319His; replaces arginine 319 with histidine.
Molecular consequence: missense variant.
Genome position (GRCh38, 1-based): chr1:182,384,571, C>T on the plus strand (G>A on the coding strand, the complement: GLUL is on the minus strand). VCF-style: chr1-182384571-C-T. GRCh37 (hg19) VCF-style: chr1-182353706-C-T.
Other names: c.956G>A, p.Arg319His (NM_001033056.4, NM_002065.7); short protein forms R319H.
Identifiers: ClinVar variation 1428594 (VCV001428594.8), dbSNP rs1394152846, ClinGen allele CA343638449.